The following is an entry in ClinVar:

ClinVar aggregate classification (germline): Uncertain significance (1 of 4 stars; one submission).

Submission:

GeneDx
Classification: Uncertain significance. Last evaluated: 2023-06-05. Review status: criteria provided, single submitter. Criteria: GeneDx Variant Classification Process June 2021. Collection method: clinical testing. Allele origin: germline. Affected: yes.
Comment: Not observed at significant frequency in large population cohorts (gnomAD); In silico analysis supports that this missense variant has a deleterious effect on protein structure/function; Missense variants in this gene are often considered pathogenic (HGMD); This substitution is predicted to be within the C-terminal cytoplasmic domain.; Has not been previously published as pathogenic or benign to our knowledge

NM_001330260.2(SCN8A):c.4898G>A (p.Gly1633Asp)

Gene: SCN8A (sodium voltage-gated channel alpha subunit 8; plus strand). Cytogenetic location: 12q13.13.
Variant type: single nucleotide variant.
Coding change: c.4898G>A on transcript NM_001330260.2 (MANE Select); coding-DNA position 4898, G replaced by A.
Protein change: p.Gly1633Asp; replaces glycine 1633 with aspartic acid.
Molecular consequence: missense variant.
Genome position (GRCh38, 1-based): chr12:51,806,384, G>A. VCF-style: chr12-51806384-G-A. GRCh37 (hg19) VCF-style: chr12-52200168-G-A.
Other names: c.4775G>A, p.Gly1592Asp (NM_001177984.3, NM_001369788.1); c.4898G>A, p.Gly1633Asp (NM_014191.4); short protein forms G1592D, G1633D.
Identifiers: ClinVar variation 3359448 (VCV003359448.1).